The following is an entry in ClinVar:

NM_007262.5(PARK7):c.501A>G (p.Ala167=)

Gene: PARK7 (Parkinsonism associated deglycase; plus strand). Cytogenetic location: 1p36.23.
Variant type: single nucleotide variant.
Coding change: c.501A>G on transcript NM_007262.5 (MANE Select); coding-DNA position 501, A replaced by G.
Protein change: p.Ala167=; no amino-acid change (alanine 167 retained).
Molecular consequence: synonymous variant.
Genome position (GRCh38, 1-based): chr1:7,984,985, A>G. VCF-style: chr1-7984985-A-G. GRCh37 (hg19) VCF-style: chr1-8045045-A-G.
Other names: c.501A>G, p.Ala167= (NM_001123377.2).
Identifiers: ClinVar variation 707607 (VCV000707607.43), dbSNP rs71653621, ClinGen allele CA569640.

ClinVar aggregate classification (germline): Conflicting classifications of pathogenicity. Review status: criteria provided, conflicting classifications (1 of 4 stars). 3 submissions from 3 submitters: Uncertain significance (1); Benign (1); Likely benign (1). Last evaluated 2025-12-22.

Conditions:
Autosomal recessive early-onset Parkinson disease 7. Identifiers: Orphanet 2828, MedGen C1853445, MONDO:0011658, OMIM 606324.

Allele frequency attached by ClinVar (database versions not stated): 1000 Genomes Project 0.00040; TOPMed 0.00041; 1000 Genomes Project 30x 0.00047; gnomAD 0.00092 and 0.00099; ESP Exome Variant Server 0.00115; gnomAD exomes 0.00126; ExAC 0.00144.
gnomAD v4.1: 1,669 of 1,614,160 alleles (0.1%); highest among the groups gnomAD compares: Non-Finnish European, 0.096%; 4 homozygotes.

Submissions (3):

Labcorp Genetics (formerly Invitae), Labcorp
Classification: Benign for Autosomal recessive early-onset Parkinson disease 7. Last evaluated: 2025-12-22. Review status: criteria provided, single submitter. Criteria: Invitae Variant Classification Sherloc (09022015). Collection method: clinical testing. Allele origin: germline.

CeGaT Center for Human Genetics Tuebingen
Classification: Likely benign. Last evaluated: 2023-06-01. Review status: criteria provided, single submitter. Criteria: CeGaT Center For Human Genetics Tuebingen Variant Classification Criteria Version 2. Collection method: clinical testing. Allele origin: germline. Affected: yes. Observed: 2 variant alleles.
Comment: PARK7: BP4, BP7

Illumina Laboratory Services, Illumina
Classification: Uncertain significance for Autosomal recessive early-onset Parkinson disease 7. Last evaluated: 2017-04-27. Review status: criteria provided, single submitter. Criteria: ICSL Variant Classification Criteria 13 December 2019. Collection method: clinical testing. Allele origin: germline.
Comment: This variant was observed as part of a predisposition screen in an ostensibly healthy population. A literature search was performed for the gene, cDNA change, and amino acid change (where applicable). Publications were found based on this search. However, the evidence from the literature, in combination with allele frequency data from public databases where available, was not sufficient to rule this variant in or out of causing disease. Therefore, this variant is classified as a variant of unknown significance.

Literature cited by the submitters: PubMed 16997464 (cited by Illumina Laboratory Services, Illumina); PubMed 21532868 (cited by Illumina Laboratory Services, Illumina); PubMed 12953260 (cited by Illumina Laboratory Services, Illumina).